The following is an entry in ClinVar:

ClinVar aggregate classification (germline): Uncertain significance (1 of 4 stars; one submission).

Submission:

GeneDx
Classification: Uncertain significance. Last evaluated: 2024-02-28. Review status: criteria provided, single submitter. Criteria: GeneDx Variant Classification Process June 2021. Collection method: clinical testing. Allele origin: germline. Affected: yes.
Comment: Not observed at significant frequency in large population cohorts (gnomAD); In silico analysis supports that this missense variant has a deleterious effect on protein structure/function; Has not been previously published as pathogenic or benign to our knowledge

NM_001958.5(EEF1A2):c.1058T>C (p.Ile353Thr)

Gene: EEF1A2 (eukaryotic translation elongation factor 1 alpha 2; minus strand). Cytogenetic location: 20q13.33.
Variant type: single nucleotide variant.
Coding change: c.1058T>C on transcript NM_001958.5 (MANE Select); coding-DNA position 1058, T replaced by C.
Protein change: p.Ile353Thr; replaces isoleucine 353 with threonine.
Molecular consequence: missense variant.
Genome position (GRCh38, 1-based): chr20:63,489,124, A>G on the plus strand (T>C on the coding strand, the complement: EEF1A2 is on the minus strand). VCF-style: chr20-63489124-A-G. GRCh37 (hg19) VCF-style: chr20-62120477-A-G.
Other names: short protein forms I353T.
Identifiers: ClinVar variation 3369922 (VCV003369922.1).
Genomic context (GRCh38, chr20:63,489,124, plus strand): 5'-GCAAACTTGCAGGCGATGTGGGCTGTGTGGCAGTCGATGACCGGGGAGTAGCCGGCGCTA[A>G]TCTGCCCCGGGTGGTTCAGGATGATGACCTGCGAGCGGAGCCACAGGCGGCCATCAGGCA-3'
Protein context (NP_001949.1, residues 343-363): QVIILNHPGQ[Ile353Thr]SAGYSPVIDC